The following is an entry in ClinVar:

NM_000446.7(PON1):c.325G>T (p.Val109Leu)

Gene: PON1 (paraoxonase 1; minus strand). Cytogenetic location: 7q21.3.
Variant type: single nucleotide variant.
Coding change: c.325G>T on transcript NM_000446.7 (MANE Select); coding-DNA position 325, G replaced by T.
Protein change: p.Val109Leu; replaces valine 109 with leucine.
Molecular consequence: missense variant.
Genome position (GRCh38, 1-based): chr7:95,315,367, C>A on the plus strand (G>T on the coding strand, the complement: PON1 is on the minus strand). VCF-style: chr7-95315367-C-A. GRCh37 (hg19) VCF-style: chr7-94944679-C-A.
Other names: short protein forms V109L.
Identifiers: ClinVar variation 120090 (VCV000120090.1), dbSNP rs61736513, ClinGen allele CA230618.

ClinVar aggregate classification (germline): not provided (0 of 4 stars; one submission).

Submission:

Functional Genomics, Thrombosis Research Institute, India
No classification provided. Review status: no classification provided. Collection method: not provided. Allele origin: not provided.
Comment: The polymorphisms were detected by PCR and sequencing of a 599 bp region in the PON1 gene and subsequent assembly and comparison to ENSEMBLE reference sequence.